The following is an entry in ClinVar:

ClinVar aggregate classification (germline): Uncertain significance (1 of 4 stars; one submission).

Submission:

Labcorp Genetics (formerly Invitae), Labcorp
Classification: Uncertain significance. Last evaluated: 2024-09-03. Review status: criteria provided, single submitter. Criteria: Invitae Variant Classification Sherloc (09022015). Collection method: clinical testing. Allele origin: germline.
Comment: This sequence change replaces arginine, which is basic and polar, with tryptophan, which is neutral and slightly polar, at codon 231 of the PSMB4 protein (p.Arg231Trp). This variant is not present in population databases (gnomAD no frequency). This variant has not been reported in the literature in individuals affected with PSMB4-related conditions. An algorithm developed to predict the effect of missense changes on protein structure and function (PolyPhen-2) suggests that this variant is likely to be disruptive. In summary, the available evidence is currently insufficient to determine the role of this variant in disease. Therefore, it has been classified as a Variant of Uncertain Significance.

NM_002796.3(PSMB4):c.691C>T (p.Arg231Trp)

Gene: PSMB4 (proteasome 20S subunit beta 4; plus strand). Cytogenetic location: 1q21.3.
Variant type: single nucleotide variant.
Coding change: c.691C>T on transcript NM_002796.3 (MANE Select); coding-DNA position 691, C replaced by T.
Protein change: p.Arg231Trp; replaces arginine 231 with tryptophan.
Molecular consequence: missense variant.
Genome position (GRCh38, 1-based): chr1:151,401,353, C>T. VCF-style: chr1-151401353-C-T. GRCh37 (hg19) VCF-style: chr1-151373829-C-T.
Other names: short protein forms R231W.
Identifiers: ClinVar variation 3623022 (VCV003623022.2).